The following is an entry in ClinVar:

NM_003873.7(NRP1):c.2005G>A (p.Val669Met)

Gene: NRP1 (neuropilin 1; minus strand). Cytogenetic location: 10p11.22.
Variant type: single nucleotide variant.
Coding change: c.2005G>A on transcript NM_003873.7 (MANE Select); coding-DNA position 2005, G replaced by A.
Protein change: p.Val669Met; replaces valine 669 with methionine.
Molecular consequence: missense variant. On other transcripts: non-coding transcript variant (1).
Genome position (GRCh38, 1-based): chr10:33,192,338, C>T on the plus strand (G>A on the coding strand, the complement: NRP1 is on the minus strand). VCF-style: chr10-33192338-C-T. GRCh37 (hg19) VCF-style: chr10-33481266-C-T.
Other names: c.1984G>A, p.Val662Met (NM_001244972.2, NM_001244973.2); c.2005G>A, p.Val669Met (NM_001330068.2); short protein forms V662M, V669M.
Identifiers: ClinVar variation 4997126 (VCV004997126.1).

ClinVar aggregate classification (germline): Uncertain significance (1 of 4 stars; one submission).

Conditions:
NRP1-related disorder. Also called: NRP1-related condition.

gnomAD v4.1: 4 of 1,613,812 alleles (0.00025%); highest among the groups gnomAD compares: Non-Finnish European, 0.00034%; no homozygotes.

Submission:

PreventionGenetics, part of Exact Sciences
Classification: Uncertain significance for NRP1-related condition. Last evaluated: 2026-01-06. Review status: criteria provided, single submitter. Criteria: ACMG Guidelines, 2015. Collection method: clinical testing. Allele origin: germline.
Comment: The NRP1 c.2005G>A variant is predicted to result in the amino acid substitution p.Val669Met. To our knowledge, this variant has not been reported in the literature or in a large population database (gnomAD), indicating this variant is rare. At this time, the clinical significance of this variant is uncertain due to the absence of conclusive functional and genetic evidence.